The following is an entry in ClinVar:

NM_001164508.2(NEB):c.22590+2T>C

Genes: RIF1 (replication timing regulatory factor 1; plus strand), NEB (nebulin; minus strand). Cytogenetic location: 2q23.3.
Variant type: single nucleotide variant.
Coding change: c.22590+2T>C on transcript NM_001164508.2 (MANE Select); the canonical splice donor site of the intron after coding-DNA position 22590, T replaced by C.
Molecular consequence: splice donor variant.
Genome position (GRCh38, 1-based): chr2:151,519,656, A>G on the plus strand (T>C on the coding strand, the complement: NEB is on the minus strand). VCF-style: chr2-151519656-A-G. GRCh37 (hg19) VCF-style: chr2-152376170-A-G.
Other names: c.17487+2T>C (NM_004543.5); c.22590+2T>C (NM_001164507.2, NM_001164508.1); c.22695+2T>C (NM_001271208.2).
Identifiers: ClinVar variation 451052 (VCV000451052.80), dbSNP rs200449517, ClinGen allele CA1906606.

ClinVar aggregate classification (germline): Uncertain significance. Review status: reviewed by expert panel (3 of 4 stars). 12 submissions from 12 submitters: Uncertain significance (1). 11 of the submissions do not count toward it. Last evaluated 2025-06-16.

Conditions:
Nemaline myopathy 2 (NEM2). Also called: Nemaline myopathy 2, autosomal recessive. Identifiers: MedGen C1850569, MONDO:0009725, OMIM 256030.
Arthrogryposis multiplex congenita 6. Identifiers: MedGen C5543431, MONDO:0030281, OMIM 619334.
Nemaline myopathy. Also called: Myopathies, Nemaline. Identifiers: Orphanet 607, MedGen C0206157, MONDO:0018958.

Allele frequency attached by ClinVar (database versions not stated): ESP Exome Variant Server 0.00008; gnomAD 0.00009; gnomAD exomes 0.00009 and 0.00033; TOPMed 0.00009; ExAC 0.00012.
gnomAD v4.1: 488 of 1,595,418 alleles (0.031%); highest among the groups gnomAD compares: Non-Finnish European, 0.04%; no homozygotes.

Submissions (12):

ClinGen Congenital Myopathies Variant Curation Expert Panel, ClinGen
Classification: Uncertain significance for Nemaline myopathy. Last evaluated: 2025-06-16. Review status: reviewed by expert panel. Criteria: ClinGen CongenMyopathy ACMG Specifications NEB V1.0.0. Collection method: curation. Allele origin: germline. Inheritance: Autosomal recessive inheritance.
Comment: The NM_001164508.2:c.22590+2T>C variant in NEB occurs within the canonical splice donor site (+2) of intron 154. It is predicted to cause skipping of biologically-relevant-exon 154/182, resulting in an in-frame deletion (removes amino acids V7494-E7530). As per ClinGen Congenital Myopathies VCEP specifications, in-frame exon skipping of the NEB gene is an established disease mechanism in autosomal recessive nemaline myopathy (PVS1_Strong). The highest population minor allele frequency in gnomAD v4.1 is 0.0004030 (469/1163744 alleles) in European (non-Finnish) population, which is higher than the ClinGen Congenital Myopathies threshold ≥0.000237 for BS1 and therefore meets this criterion (BS1). Although this variant has been seen in the general population in a heterozygous state, with no homozygous observations, its frequency is not high enough to rule out a pathogenic role. This variant has been observed in individuals with congenital myopathies in a heterozygous state without a second variant. Therefore, no codes were applied (Internal data: GeneDx SCV000619698.7, CeGaT Center for Human Genetics Tuebingen SCV001152434.31, Fulgent Genetics SCV005650398.1). In summary, due to conflicting evidence, this variant is classified as a variant of uncertain significance for autosomal recessive nemaline myopathy based on the ACMG/AMP criteria applied, as specified by the ClinGen Congenital Myopathies: PVS1_Strong, BS1. (ClinGen Congenital Myopathies VCEP specifications version 1.0.0; 06/16/2025).

Labcorp Genetics (formerly Invitae), Labcorp
Classification: Likely pathogenic for Nemaline myopathy 2. Last evaluated: 2026-01-09. Review status: criteria provided, single submitter. Criteria: Invitae Variant Classification Sherloc (09022015). Collection method: clinical testing. Allele origin: germline. Not counted in ClinVar's aggregate classification.
Comment: This sequence change affects a donor splice site in intron 155 of the NEB gene. It is expected to disrupt RNA splicing. Variants that disrupt the donor or acceptor splice site typically lead to a loss of protein function (PMID: 16199547), and loss-of-function variants in NEB are known to be pathogenic (PMID: 25205138). This variant is present in population databases (rs200449517, gnomAD 0.02%). This variant has not been reported in the literature in individuals affected with NEB-related conditions. ClinVar contains an entry for this variant (Variation ID: 451052). Algorithms developed to predict the effect of sequence changes on RNA splicing suggest that this variant may disrupt the consensus splice site. In summary, the currently available evidence indicates that the variant is pathogenic, but additional data are needed to prove that conclusively. Therefore, this variant has been classified as Likely Pathogenic.

GeneDx
Classification: Likely pathogenic. Last evaluated: 2025-10-04. Review status: criteria provided, single submitter. Criteria: GeneDx Variant Classification Process June 2021. Collection method: clinical testing. Allele origin: germline. Affected: yes. Not counted in ClinVar's aggregate classification.
Comment: Canonical splice site variant predicted to result in an in-frame loss of the adjacent exon in a gene for which loss of function is a known mechanism of disease; Deletions involving coding exons of this gene are a known mechanism of disease (HGMD); Has not been previously published as pathogenic or benign to our knowledge

Women's Health and Genetics/Laboratory Corporation of America, LabCorp
Classification: Likely pathogenic for Nemaline myopathy. Last evaluated: 2025-04-10. Review status: criteria provided, single submitter. Criteria: LabCorp Variant Classification Summary - May 2015. Collection method: clinical testing. Allele origin: germline. Not counted in ClinVar's aggregate classification.
Comment: Variant summary: NEB c.22695+2T>C is located in a canonical splice-site and is predicted to affect mRNA splicing resulting in a significantly altered protein due to either exon skipping, shortening, or inclusion of intronic material. Variants that disrupt the consensus splice site are a relatively common cause of aberrant splicing and loss of NEB function. Several computational tools predict a significant impact on normal splicing: Three predict the variant abolishes a 5 splicing donor site. One predict the variant no significant impact on splicing. However, these predictions have yet to be confirmed by functional studies. The variant allele was found at a frequency of 9.3e-05 in 248252 control chromosomes. This frequency is not significantly higher than estimated for a pathogenic variant in NEB causing Nemaline Myopathy 2 (9.3e-05 vs 0.0035), allowing no conclusion about variant significance. c.22695+2T>C has been reported in the literature in an individual affected with simplex Retinitis Pigmentosa without any familial history of Nemaline Myopathy and who did not have a reported second pathogenic variant (Arno_2017). This report does not provide unequivocal conclusions about association of the variant with Nemaline Myopathy 2. To our knowledge, no experimental evidence demonstrating an impact on protein function has been reported. The following publication has been ascertained in the context of this evaluation (PMID: 28132693). ClinVar contains an entry for this variant (Variation ID: 451052). Based on the evidence outlined above, the variant was classified as likely pathogenic.

Broad Center for Mendelian Genomics, Broad Institute of MIT and Harvard
Classification: Uncertain significance for Nemaline myopathy. Last evaluated: 2025-03-03. Review status: criteria provided, single submitter. Criteria: ACMG Guidelines, 2015. Collection method: curation. Allele origin: germline. Inheritance: Autosomal recessive inheritance. Not counted in ClinVar's aggregate classification.
Comment: The c.22590+2T>C variant in NEB has not been previously reported in the literature in individuals with nemaline myopathy, but has been identified in 0.04% (469/1163744) of European (non-Finnish) chromosomes by the Genome Aggregation Database (gnomAD; dbSNP ID: rs200449517). Although this variant has been seen in the general population in a heterozygous state, its frequency is not high enough to rule out a pathogenic role. This variant has also been reported in ClinVar (Variation ID: 451052) and has been interpreted as likely pathogenic by multiple submitters, and as a variant of uncertain significance by Illumina Laboratory Services. This variant is located in the 5' splice region. Computational tools predict a splicing impact, though this information is not predictive enough to determine pathogenicity. This variant is adjacent to an in-frame exon and is more likely to escape nonsense mediated decay (NMD) and result in a truncated protein. In-frame exon skipping of the NEB gene is an established disease mechanism in autosomal recessive nemaline myopathy. In summary, the clinical significance of the c.22590+2T>C variant is uncertain. ACMG/AMP Criteria applied: PVS1_strong (Richards 2015).

Revvity Omics, Revvity
Classification: Likely pathogenic. Last evaluated: 2025-02-04. Review status: criteria provided, single submitter. Criteria: ACMG Guidelines, 2015. Collection method: clinical testing. Allele origin: germline. Not counted in ClinVar's aggregate classification.

Fulgent Genetics
Classification: Likely pathogenic for Nemaline myopathy 2; Arthrogryposis multiplex congenita 6. Last evaluated: 2024-06-12. Review status: criteria provided, single submitter. Criteria: ACMG Guidelines, 2015. Collection method: clinical testing. Allele origin: germline. Not counted in ClinVar's aggregate classification.

Baylor Genetics
Classification: Uncertain significance for Arthrogryposis multiplex congenita 6. Last evaluated: 2023-08-09. Review status: criteria provided, single submitter. Criteria: ACMG Guidelines, 2015. Collection method: clinical testing. Allele origin: unknown. Not counted in ClinVar's aggregate classification.

Victorian Clinical Genetics Services, Murdoch Childrens Research Institute
Classification: Likely pathogenic for Nemaline myopathy 2. Last evaluated: 2022-06-24. Review status: criteria provided, single submitter. Criteria: ACMG Guidelines, 2015. Collection method: clinical testing. Allele origin: germline. Inheritance: Autosomal recessive inheritance. Affected: yes. Not counted in ClinVar's aggregate classification.
Comment: Based on the classification scheme VCGS_Germline_v1.3.4, this variant is classified as likely pathogenic. Following criteria are met: 0102 - Loss of function is a known mechanism of disease in this gene and is associated with arthrogryposis multiplex congenita 6 (MIM#619334) and nemaline myopathy 2 (MIM#256030). (I) 0106 - This gene is associated with autosomal recessive disease. (I) 0115 - Variants in this gene are known to have variable expressivity (OMIM). (I) 0211 - Canonical splice site variant without proven consequence on splicing (no functional evidence available). (SP) 0251 - This variant is heterozygous. (I) 0304 - Variant is present in gnomAD (v2) <0.01 for a recessive condition (28 heterozygotes, 0 homozygotes). (SP) 0505 - Abnormal splicing is predicted by in silico tools and affected nucleotide is highly conserved. (SP) 0705 - No comparable canonical splice variants have previous evidence for pathogenicity. (I) 0802 - This variant has moderate previous evidence of pathogenicity in unrelated individuals. This variant has been reported once as a VUS, but multiple times as likely pathogenic but with limited clinical information. One individual had progressive muscle weakness and foot drop with a variant of uncertain significance in trans (ClinVar, personal communication). It has also been observed in a cohort with retinopathy (PMID: 28132693). (SP) 0905 - No published segregation evidence has been identified for this variant. (I) 1007 - No published functional evidence has been identified for this variant. (I) 1208 - Inheritance information for this variant is not currently available in this individual. (I) Legend: (SP) - Supporting pathogenic, (I) - Information, (SB) - Supporting benign

CeGaT Center for Human Genetics Tuebingen
Classification: Likely pathogenic. Last evaluated: 2017-09-01. Review status: criteria provided, single submitter. Criteria: CeGaT Center For Human Genetics Tuebingen Variant Classification Criteria Version 2. Collection method: clinical testing. Allele origin: germline. Affected: yes. Observed: 1 variant allele. Not counted in ClinVar's aggregate classification.

Natera, Inc.
Classification: Likely pathogenic for Nemaline myopathy type 2. Last evaluated: 2020-09-16. Review status: no assertion criteria provided. Collection method: clinical testing. Allele origin: germline. Not counted in ClinVar's aggregate classification.

Counsyl
Classification: Likely pathogenic for Nemaline myopathy 2. Last evaluated: 2017-04-05. Review status: no assertion criteria provided. Collection method: clinical testing. Allele origin: unknown. Not counted in ClinVar's aggregate classification.

Literature cited by the submitters: PubMed 16199547 (cited by Labcorp Genetics (formerly Invitae), Labcorp); PubMed 25205138 (cited by Labcorp Genetics (formerly Invitae), Labcorp); PubMed 28132693 (cited by 3 submitters).